The following is an entry in ClinVar:

ClinVar aggregate classification (germline): Uncertain significance. Review status: criteria provided, multiple submitters, no conflicts (2 of 4 stars). 2 submissions from 2 submitters: Uncertain significance (2). Last evaluated 2026-01-08.

Conditions:
Hereditary cancer-predisposing syndrome. Also called: Hereditary Cancer Syndrome; Tumor predisposition; Neoplastic Syndromes, Hereditary; Hereditary neoplastic syndrome. Identifiers: Orphanet 140162, MedGen C0027672, MeSH D009386, MONDO:0015356.

Submissions (2):

Ambry Genetics
Classification: Uncertain significance for Hereditary cancer-predisposing syndrome. Last evaluated: 2026-01-08. Review status: criteria provided, single submitter. Criteria: Ambry Variant Classification Scheme 2023. Collection method: clinical testing. Allele origin: germline.
Comment: The c.2655_2657dupATC variant (also known as p.S886dup), located in coding exon 17 of the CTNNA1 gene, results from an in-frame duplication of ATC at nucleotide positions 2655 to 2657. This results in the duplication of an extra residue between codons 886 and 887. This amino acid position is highly conserved in available vertebrate species. In addition, this variant is predicted to be deleterious by in silico analysis (Choi Y et al. PLoS ONE. 2012; 7(10):e46688). Based on the available evidence, the clinical significance of this variant remains unclear.

Labcorp Genetics (formerly Invitae), Labcorp
Classification: Uncertain significance. Last evaluated: 2019-12-27. Review status: criteria provided, single submitter. Criteria: Invitae Variant Classification Sherloc (09022015). Collection method: clinical testing. Allele origin: germline.
Comment: Experimental studies and prediction algorithms are not available or were not evaluated, and the functional significance of this variant is currently unknown. In summary, the available evidence is currently insufficient to determine the role of this variant in disease. Therefore, it has been classified as a Variant of Uncertain Significance. This variant has not been reported in the literature in individuals with CTNNA1-related conditions. This variant is not present in population databases (ExAC no frequency). This variant, c.2655_2657dup, results in the insertion of 1 amino acid(s) to the CTNNA1 protein (p.Ser886dup), but otherwise preserves the integrity of the reading frame.

NM_001903.5(CTNNA1):c.2655_2657dup (p.Ser886dup)

Gene: CTNNA1 (catenin alpha 1; plus strand). Cytogenetic location: 5q31.2.
Variant type: Duplication.
Coding change: c.2655_2657dup on transcript NM_001903.5 (MANE Select); coding-DNA positions 2655 to 2657, 3 bases duplicated (ATC; older notation c.2655_2657dupATC).
Protein change: p.Ser886dup; duplicates serine 886.
Molecular consequence: inframe insertion. On other transcripts: 3 prime UTR variant (5).
Genome position (GRCh38, 1-based): chr5:138,934,023-138,934,025, ATC duplicated; duplicating any 3 consecutive bases within chr5:138,934,022-138,934,025 gives the same sequence; the c. name uses the placement nearest the transcript's 3' end. VCF-style (leftmost placement, unchanged base first): chr5-138934021-G-GCAT. GRCh37 (hg19) VCF-style: chr5-138269710-G-GCAT.
Other names: c.*200_*202dup (NM_001290307.3, NM_001324002.1, NM_001324003.1 and 2 more transcripts); c.2346_2348dup, p.Ser783dup (NM_001290309.3); c.2286_2288dup, p.Ser763dup (NM_001290310.3); c.1545_1547dup, p.Ser516dup (NM_001290312.1, NM_001323987.1, NM_001323988.1 and 12 more transcripts); c.2655_2657dup, p.Ser886dup (NM_001323982.2, NM_001323983.1, NM_001323984.2); c.2628_2630dup, p.Ser877dup (NM_001323985.2); c.2562_2564dup, p.Ser855dup (NM_001323986.2); c.1410_1412dup, p.Ser471dup (NM_001324001.1); and 4 more.
Identifiers: ClinVar variation 837655 (VCV000837655.11), dbSNP rs1766013432, ClinGen allele CA916082773.